The following is an entry in ClinVar:

NM_004370.6(COL12A1):c.8851G>A (p.Gly2951Ser)

Gene: COL12A1 (collagen type XII alpha 1 chain; minus strand). Cytogenetic location: 6q13.
Variant type: single nucleotide variant.
Coding change: c.8851G>A on transcript NM_004370.6 (MANE Select); coding-DNA position 8851, G replaced by A.
Protein change: p.Gly2951Ser; replaces glycine 2951 with serine.
Molecular consequence: missense variant.
Genome position (GRCh38, 1-based): chr6:75,090,200, C>T on the plus strand (G>A on the coding strand, the complement: COL12A1 is on the minus strand). VCF-style: chr6-75090200-C-T. GRCh37 (hg19) VCF-style: chr6-75799916-C-T.
Other names: c.8851G>A, p.Gly2951Ser (NM_001424113.1); c.8830G>A, p.Gly2944Ser (NM_001424114.1); c.8578G>A, p.Gly2860Ser (NM_001424115.1); c.5359G>A, p.Gly1787Ser (NM_001424116.1, NM_080645.3); short protein forms G2944S, G2951S, G1787S, G2860S.
Identifiers: ClinVar variation 2944937 (VCV002944937.3), dbSNP rs2533031590, ClinGen allele CA364734937.

ClinVar aggregate classification (germline): Uncertain significance (1 of 4 stars; one submission).

Conditions:
Ullrich congenital muscular dystrophy 2 (UCMD2). Identifiers: Orphanet 75840, MedGen C4225314, MONDO:0014654, OMIM 616470.
Bethlem myopathy 2 (BTHLM2). Identifiers: Orphanet 536516, Orphanet 610, MedGen C4225313, MONDO:0034022, OMIM 616471.

Submission:

Labcorp Genetics (formerly Invitae), Labcorp
Classification: Uncertain significance for Bethlem myopathy 2; Ullrich congenital muscular dystrophy 2. Last evaluated: 2023-08-30. Review status: criteria provided, single submitter. Criteria: Invitae Variant Classification Sherloc (09022015). Collection method: clinical testing. Allele origin: germline.
Comment: In summary, the available evidence is currently insufficient to determine the role of this variant in disease. Therefore, it has been classified as a Variant of Uncertain Significance. An algorithm developed to predict the effect of missense changes on protein structure and function (PolyPhen-2) suggests that this variant is likely to be disruptive. This variant has not been reported in the literature in individuals affected with COL12A1-related conditions. This variant is not present in population databases (gnomAD no frequency). This sequence change replaces glycine, which is neutral and non-polar, with serine, which is neutral and polar, at codon 2951 of the COL12A1 protein (p.Gly2951Ser).